The following is an entry in ClinVar:

ClinVar aggregate classification (germline): Uncertain significance (1 of 4 stars; one submission).

Conditions:
Hereditary cancer-predisposing syndrome. Also called: Neoplastic Syndromes, Hereditary; Tumor predisposition; Hereditary neoplastic syndrome; Hereditary Cancer Syndrome. Identifiers: Orphanet 140162, MedGen C0027672, MeSH D009386, MONDO:0015356.
Cardiovascular phenotype. Identifiers: MedGen CN230736.

Submission:

Ambry Genetics
Classification: Uncertain significance for Cardiovascular phenotype; Hereditary cancer-predisposing syndrome. Last evaluated: 2023-01-12. Review status: criteria provided, single submitter. Criteria: Ambry Variant Classification Scheme 2023. Collection method: clinical testing. Allele origin: germline.
Comment: The p.S387I variant (also known as c.1160G>T), located in coding exon 10 of the NF1 gene, results from a G to T substitution at nucleotide position 1160. The serine at codon 387 is replaced by isoleucine, an amino acid with dissimilar properties. This amino acid position is conserved. In addition, the in silico prediction for this alteration is inconclusive. Since supporting evidence is limited at this time, the clinical significance of this alteration remains unclear.

NM_001042492.3(NF1):c.1160G>T (p.Ser387Ile)

Gene: NF1 (neurofibromin 1; plus strand). Cytogenetic location: 17q11.2.
Variant type: single nucleotide variant.
Coding change: c.1160G>T on transcript NM_001042492.3 (MANE Select); coding-DNA position 1160, G replaced by T.
Protein change: p.Ser387Ile; replaces serine 387 with isoleucine.
Molecular consequence: missense variant.
Genome position (GRCh38, 1-based): chr17:31,201,134, G>T. VCF-style: chr17-31201134-G-T. GRCh37 (hg19) VCF-style: chr17-29528152-G-T.
Other names: c.1160G>T, p.Ser387Ile (NM_000267.4, NM_001128147.3); short protein forms S387I.
Identifiers: ClinVar variation 2452265 (VCV002452265.2), dbSNP rs1555611025, ClinGen allele CA398997190.
Genomic context (GRCh38, chr17:31,201,134, plus strand): 5'-GCAGTCAGCCTGCAGATGTGGATCTAATGATTGACTGCCTTGTTTCTTGCTTTCGTATAA[G>T]CCCTCACAACAACCAACACTTTAAGGTGAGAGCATTGGTTTTTATCTAACTATATTTACT-3'
Protein context (NP_001035957.1, residues 377-397): IDCLVSCFRI[Ser387Ile]PHNNQHFKIC